The following is an entry in ClinVar:

NM_001130823.3(DNMT1):c.3116+11G>T

Gene: DNMT1 (DNA methyltransferase 1; minus strand). Cytogenetic location: 19p13.2.
Variant type: single nucleotide variant.
Coding change: c.3116+11G>T on transcript NM_001130823.3 (MANE Select); 11 bases into the intron after coding-DNA position 3116, G replaced by T.
Molecular consequence: intron variant.
Genome position (GRCh38, 1-based): chr19:10,143,755, C>A on the plus strand (G>T on the coding strand, the complement: DNMT1 is on the minus strand). VCF-style: chr19-10143755-C-A. GRCh37 (hg19) VCF-style: chr19-10254431-C-A.
Other names: c.2753+11G>T (NM_001318731.2); c.3068+11G>T (NM_001379.4, NM_001318730.2).
Identifiers: ClinVar variation 891807 (VCV000891807.12), dbSNP rs773580930, ClinGen allele CA9187862.

ClinVar aggregate classification (germline): Likely benign. Review status: criteria provided, multiple submitters, no conflicts (2 of 4 stars). 3 submissions from 3 submitters: Likely benign (3). Last evaluated 2023-08-30.

Conditions:
Hereditary sensory neuropathy-deafness-dementia syndrome. Also called: NEUROPATHY, HEREDITARY SENSORY, WITH HEARING LOSS AND DEMENTIA; Hereditary sensory neuropathy type IE; HSN IE; Hereditary Sensory and Autonomic Neuropathy Type 1E (HSAN1E). Identifiers: Orphanet 456318, MedGen C3279885, MONDO:0013584, OMIM 614116.

Allele frequency attached by ClinVar (database versions not stated): ExAC 0.00002; gnomAD exomes 0.00002 and 0.00004; TOPMed 0.00003; gnomAD 0.00004 and 0.00005.
gnomAD v4.1: 62 of 1,613,884 alleles (0.0038%); highest among the groups gnomAD compares: Non-Finnish European, 0.0051%; no homozygotes.

Submissions (3):

Blueprint Genetics
Classification: Likely benign. Last evaluated: 2023-08-30. Review status: criteria provided, single submitter. Criteria: ACMG Guidelines, 2015. Collection method: clinical testing. Allele origin: germline.

Labcorp Genetics (formerly Invitae), Labcorp
Classification: Likely benign for Hereditary sensory neuropathy-deafness-dementia syndrome. Last evaluated: 2023-01-19. Review status: criteria provided, single submitter. Criteria: Invitae Variant Classification Sherloc (09022015). Collection method: clinical testing. Allele origin: germline.

Illumina Laboratory Services, Illumina
Classification: Likely benign for Hereditary sensory neuropathy-deafness-dementia syndrome. Last evaluated: 2018-01-13. Review status: criteria provided, single submitter. Criteria: ICSL Variant Classification Criteria 13 December 2019. Collection method: clinical testing. Allele origin: germline.
Comment: This variant was observed in the ICSL laboratory as part of a predisposition screen in an ostensibly healthy population. It had not been previously curated by ICSL or reported in the Human Gene Mutation Database (HGMD: prior to June 1st, 2018), and was therefore a candidate for classification through an automated scoring system. Utilizing variant allele frequency, disease prevalence and penetrance estimates, and inheritance mode, an automated score was calculated to assess if this variant is too frequent to cause the disease. Based on the score and internal cut-off values, a variant classified as likely benign is not then subjected to further curation. The score for this variant resulted in a classification of likely benign for this disease.